The following is an entry in ClinVar:

NM_001005361.3(DNM2):c.*385C>T

Gene: DNM2 (dynamin 2; plus strand). Cytogenetic location: 19p13.2.
Variant type: single nucleotide variant.
Coding change: c.*385C>T on transcript NM_001005361.3 (MANE Select); 385 bases downstream of the stop codon, C replaced by T.
Molecular consequence: 3 prime UTR variant.
Genome position (GRCh38, 1-based): chr19:10,831,432, C>T. VCF-style: chr19-10831432-C-T. GRCh37 (hg19) VCF-style: chr19-10942108-C-T.
Other names: c.*385C>T (NM_001005360.3, NM_001005362.3, NM_001190716.2 and 1 more transcripts).
Identifiers: ClinVar variation 328007 (VCV000328007.5), dbSNP rs78160240, ClinGen allele CA10642173.

ClinVar aggregate classification (germline): Benign. Review status: criteria provided, single submitter (1 of 4 stars). 2 submissions from 1 submitter: Benign (2). Last evaluated 2018-01-13.

Conditions:
Autosomal dominant centronuclear myopathy. Also called: MYOTUBULAR MYOPATHY, AUTOSOMAL DOMINANT; Myopathy, centronuclear, 3. Identifiers: Orphanet 169189, MedGen C4551952, MeSH D020914, MONDO:0008048, OMIM 160150.
Charcot-Marie-Tooth disease dominant intermediate B (CMTDIB). Also called: CHARCOT-MARIE-TOOTH NEUROPATHY, DOMINANT INTERMEDIATE B; Charcot-Marie-Tooth disease dominant intermediate 1; CMT DI1; Charcot-Marie-Tooth disease dominant intermediate I. Identifiers: Orphanet 100044, Orphanet 228179, MedGen C1847902, MONDO:0011674, OMIM 606482.

Allele frequency attached by ClinVar (database versions not stated): gnomAD exomes 0.00315; gnomAD 0.03217 and 0.03446; TOPMed 0.03690; 1000 Genomes Project 0.03814; 1000 Genomes Project 30x 0.04107.
gnomAD v4.1: 7,737 of 1,015,646 alleles (0.76%); highest among the groups gnomAD compares: African/African-American, 11%; 357 homozygotes.

Submissions (2):

Illumina Laboratory Services, Illumina
Classification: Benign for Charcot-Marie-Tooth disease dominant intermediate B. Last evaluated: 2018-01-13. Review status: criteria provided, single submitter. Criteria: ICSL Variant Classification Criteria 13 December 2019. Collection method: clinical testing. Allele origin: germline.
Comment: This variant was observed in the ICSL laboratory as part of a predisposition screen in an ostensibly healthy population. It had not been previously curated by ICSL or reported in the Human Gene Mutation Database (HGMD: prior to June 1st, 2018), and was therefore a candidate for classification through an automated scoring system. Utilizing variant allele frequency, disease prevalence and penetrance estimates, and inheritance mode, an automated score was calculated to assess if this variant is too frequent to cause the disease. Based on the score and internal cut-off values, a variant classified as benign is not then subjected to further curation. The score for this variant resulted in a classification of benign for this disease.

Illumina Laboratory Services, Illumina
Classification: Benign for Autosomal dominant centronuclear myopathy. Last evaluated: 2018-01-13. Review status: criteria provided, single submitter. Criteria: ICSL Variant Classification Criteria 13 December 2019. Collection method: clinical testing. Allele origin: germline.
Comment: the same text as in the submission from Illumina Laboratory Services, Illumina above.